The following is an entry in ClinVar:

ClinVar aggregate classification (germline): Conflicting classifications of pathogenicity. Review status: criteria provided, conflicting classifications (1 of 4 stars). 8 submissions from 8 submitters: Uncertain significance (7); Likely benign (1). Last evaluated 2026-01-14.

Conditions:
Episodic pain syndrome, familial, 2 (FEPS2). Identifiers: Orphanet 306577, MedGen C3809893, MONDO:0014246, OMIM 615551.
Cardiovascular phenotype. Identifiers: MedGen CN230736.
Brugada syndrome. Also called: Sudden unexpected nocturnal death syndrome; Sudden unexplained nocturnal death syndrome; Sudden Unexplained Death Syndrome; Sudden Unexplained Nocturnal Death Syndrome (SUNDS). Identifiers: Orphanet 130, MedGen C1142166, MONDO:0015263.

Allele frequency attached by ClinVar (database versions not stated): gnomAD exomes 0.00018; gnomAD 0.00019 and 0.00021; ExAC 0.00020; TOPMed 0.00020; ESP Exome Variant Server 0.00023.
gnomAD v4.1: 305 of 1,613,686 alleles (0.019%); highest among the groups gnomAD compares: Non-Finnish European, 0.023%; no homozygotes.

Submissions (8):

Labcorp Genetics (formerly Invitae), Labcorp
Classification: Uncertain significance for Brugada syndrome. Last evaluated: 2026-01-14. Review status: criteria provided, single submitter. Criteria: Invitae Variant Classification Sherloc (09022015). Collection method: clinical testing. Allele origin: germline.
Comment: This sequence change replaces serine, which is neutral and polar, with threonine, which is neutral and polar, at codon 242 of the SCN10A protein (p.Ser242Thr). This variant is present in population databases (rs140288103, gnomAD 0.04%). This missense change has been observed in individual(s) with Brugada syndrome or diabetic peripheral neuropathy (PMID: 24998131, 30135145). ClinVar contains an entry for this variant (Variation ID: 449360). Invitae Evidence Modeling of protein sequence and biophysical properties (such as structural, functional, and spatial information, amino acid conservation, physicochemical variation, residue mobility, and thermodynamic stability) indicates that this missense variant is expected to disrupt SCN10A protein function with a positive predictive value of 80%. Experimental studies have shown that this missense change affects SCN10A function (PMID: 30135145). In summary, the available evidence is currently insufficient to determine the role of this variant in disease. Therefore, it has been classified as a Variant of Uncertain Significance.

GeneDx
Classification: Uncertain significance. Last evaluated: 2025-03-20. Review status: criteria provided, single submitter. Criteria: GeneDx Variant Classification Process June 2021. Collection method: clinical testing. Allele origin: germline. Affected: yes.
Comment: Identified in patients with a diagnosis of Brugada syndrome in published literature (PMID: 24998131, 33797273); Reported in a patient with sensory neuropathy and type 2 diabetes (PMID: 30135145); In silico analysis supports that this missense variant has a deleterious effect on protein structure/function; This variant is associated with the following publications: (PMID: 28407228, 30821013, 30135145, 24998131, 33797273)

CeGaT Center for Human Genetics Tuebingen
Classification: Uncertain significance. Last evaluated: 2024-06-01. Review status: criteria provided, single submitter. Criteria: CeGaT Center For Human Genetics Tuebingen Variant Classification Criteria Version 2. Collection method: clinical testing. Allele origin: germline. Affected: yes. Observed: 1 variant allele.

Department of Pathology and Laboratory Medicine, Sinai Health System
Classification: Uncertain significance for Episodic pain syndrome, familial, 2. Last evaluated: 2023-06-09. Review status: criteria provided, single submitter. Criteria: ACMG Guidelines, 2015. Collection method: research. Allele origin: germline.

Women's Health and Genetics/Laboratory Corporation of America, LabCorp
Classification: Uncertain significance. Last evaluated: 2023-02-17. Review status: criteria provided, single submitter. Criteria: LabCorp Variant Classification Summary - May 2015. Collection method: clinical testing. Allele origin: germline.
Comment: Variant summary: SCN10A c.724T>A (p.Ser242Thr) results in a conservative amino acid change located in the Ion transport domain (IPR005821) of the encoded protein sequence. Three of four in-silico tools predict a damaging effect of the variant on protein function. The variant allele was found at a frequency of 0.00018 in 250948 control chromosomes. The observed variant frequency is approximately 29.33 fold of the estimated maximal expected allele frequency for a pathogenic variant in SCN10A causing Arrhythmia phenotype (6.3e-06), suggesting that the variant is benign. c.724T>A has been reported in the literature in individuals affected with Brugada syndrome (Hu_2014) and diabetic neuropathy (Han_2014). These data do not allow any conclusion about variant significance. One publication reports experimental evidence showing Ser242Thr has an impact on protein function (Han_2014). Five ClinVar submitters have submitted clinical-significance assessments for this variant to ClinVar after 2014, classifying the variant as uncertain significance (n=4) or likely benign (n=1). Based on the evidence outlined above, the variant was classified as VUS-possibly benign.

Fulgent Genetics
Classification: Uncertain significance for Episodic pain syndrome, familial, 2. Last evaluated: 2021-08-13. Review status: criteria provided, single submitter. Criteria: ACMG Guidelines, 2015. Collection method: clinical testing. Allele origin: unknown.

Mayo Clinic Laboratories, Mayo Clinic
Classification: Uncertain significance. Last evaluated: 2020-09-08. Review status: criteria provided, single submitter. Criteria: ACMG Guidelines, 2015. Collection method: clinical testing. Allele origin: germline. Observed: 2 variant alleles.

Ambry Genetics
Classification: Likely benign for Cardiovascular phenotype. Last evaluated: 2019-11-19. Review status: criteria provided, single submitter. Criteria: Ambry Variant Classification Scheme 2023. Collection method: clinical testing. Allele origin: germline.

Literature cited by the submitters: PubMed 24998131 (cited by Labcorp Genetics (formerly Invitae), Labcorp and Women's Health and Genetics/Laboratory Corporation of America, LabCorp); PubMed 30135145 (cited by Labcorp Genetics (formerly Invitae), Labcorp and Women's Health and Genetics/Laboratory Corporation of America, LabCorp); PubMed 30821013 (cited by Women's Health and Genetics/Laboratory Corporation of America, LabCorp); PubMed 28407228 (cited by Women's Health and Genetics/Laboratory Corporation of America, LabCorp).

NM_006514.4(SCN10A):c.724T>A (p.Ser242Thr)

Gene: SCN10A (sodium voltage-gated channel alpha subunit 10; minus strand). Cytogenetic location: 3p22.2.
Variant type: single nucleotide variant.
Coding change: c.724T>A on transcript NM_006514.4 (MANE Select); coding-DNA position 724, T replaced by A.
Protein change: p.Ser242Thr; replaces serine 242 with threonine.
Molecular consequence: missense variant.
Genome position (GRCh38, 1-based): chr3:38,761,351, A>T on the plus strand (T>A on the coding strand, the complement: SCN10A is on the minus strand). VCF-style: chr3-38761351-A-T. GRCh37 (hg19) VCF-style: chr3-38802842-A-T.
Other names: c.724T>A, p.Ser242Thr (NM_001293306.2, NM_001293307.2); short protein forms S242T.
Identifiers: ClinVar variation 449360 (VCV000449360.52), dbSNP rs140288103, ClinGen allele CA2321086.